The following is an entry in ClinVar:

NM_004999.4(MYO6):c.2804A>G (p.Lys935Arg)

Gene: MYO6 (myosin VI; plus strand). Cytogenetic location: 6q14.1.
Variant type: single nucleotide variant.
Coding change: c.2804A>G on transcript NM_004999.4 (MANE Select); coding-DNA position 2804, A replaced by G.
Protein change: p.Lys935Arg; replaces lysine 935 with arginine.
Molecular consequence: missense variant. On other transcripts: non-coding transcript variant (1).
Genome position (GRCh38, 1-based): chr6:75,890,202, A>G. VCF-style: chr6-75890202-A-G. GRCh37 (hg19) VCF-style: chr6-76599919-A-G.
Other names: c.2804A>G, p.Lys935Arg (NM_001300899.2, NM_001368136.1, NM_001368137.1 and 2 more transcripts); c.2789A>G, p.Lys930Arg (NM_001368138.1); short protein forms K930R, K935R.
Identifiers: ClinVar variation 2807570 (VCV002807570.3), dbSNP rs753396601, ClinGen allele CA3897459.
Genomic context (GRCh38, chr6:75,890,202, plus strand): 5'-AAAAAAAACAGCAGGAAGAGGAAGCAGAAAGGCTGAGGCGTATTCAAGAAGAAATGGAAA[A>G]GGAAAGAAAAAGACGTGAAGAAGACGAAAAACGTCGAAGAAAGGAAGAGGAGGAAAGGCG-3'
Protein context (NP_004990.3, residues 925-945): RLRRIQEEME[Lys935Arg]ERKRREEDEK

ClinVar aggregate classification (germline): Uncertain significance (1 of 4 stars; one submission).

Allele frequency attached by ClinVar (database versions not stated): gnomAD exomes below 0.00001; ExAC 0.00001; gnomAD 0.00001; TOPMed 0.00001.
gnomAD v4.1: 4 of 1,612,148 alleles (0.00025%); highest among the groups gnomAD compares: African/African-American, 0.0053%; no homozygotes.

Submission:

Labcorp Genetics (formerly Invitae), Labcorp
Classification: Uncertain significance. Last evaluated: 2023-08-25. Review status: criteria provided, single submitter. Criteria: Invitae Variant Classification Sherloc (09022015). Collection method: clinical testing. Allele origin: germline.
Comment: In summary, the available evidence is currently insufficient to determine the role of this variant in disease. Therefore, it has been classified as a Variant of Uncertain Significance. Advanced modeling of protein sequence and biophysical properties (such as structural, functional, and spatial information, amino acid conservation, physicochemical variation, residue mobility, and thermodynamic stability) performed at Invitae indicates that this missense variant is not expected to disrupt MYO6 protein function. This variant has not been reported in the literature in individuals affected with MYO6-related conditions. The frequency data for this variant in the population databases is considered unreliable, as metrics indicate poor data quality at this position in the gnomAD database. This sequence change replaces lysine, which is basic and polar, with arginine, which is basic and polar, at codon 935 of the MYO6 protein (p.Lys935Arg).